The following is an entry in ClinVar:

NM_001395159.1(UNC79):c.4862G>A (p.Arg1621Lys)

Gene: UNC79 (unc-79 subunit of NALCN channel complex; plus strand). Cytogenetic location: 14q32.12.
Variant type: single nucleotide variant.
Coding change: c.4862G>A on transcript NM_001395159.1 (MANE Select); coding-DNA position 4862, G replaced by A.
Protein change: p.Arg1621Lys; replaces arginine 1621 with lysine.
Molecular consequence: missense variant.
Genome position (GRCh38, 1-based): chr14:93,621,879, G>A. VCF-style: chr14-93621879-G-A. GRCh37 (hg19) VCF-style: chr14-94088225-G-A.
Other names: c.4796G>A, p.Arg1599Lys (NM_001346218.2); c.4115G>A, p.Arg1372Lys (NM_020818.5); short protein forms R1372K, R1599K, R1621K.
Identifiers: ClinVar variation 4538646 (VCV004538646.1).
Genomic context (GRCh38, chr14:93,621,879, plus strand): 5'-AGAAGCCTCCGACCCAAGCTGCGTATATCGCACAAAGACCAAACGACCCTGGACGTTCTA[G>A]ACAGAACTCTGCTACGAGGCCTGACAATAGTGAAATCCCCGAGAACCCAGCTATGGAAGG-3'
Protein context (NP_001382088.1, residues 1611-1631): AQRPNDPGRS[Arg1621Lys]QNSATRPDNS

ClinVar aggregate classification (germline): Uncertain significance (1 of 4 stars; one submission).

gnomAD v4.1: 1 of 1,614,072 alleles (0.000062%); highest among the groups gnomAD compares: South Asian, 0.0011%; no homozygotes.

Submission:

GeneDx
Classification: Uncertain significance. Last evaluated: 2025-06-13. Review status: criteria provided, single submitter. Criteria: GeneDx Variant Classification Process June 2021. Collection method: clinical testing. Allele origin: germline. Affected: yes.
Comment: Not observed at significant frequency in large population cohorts (gnomAD); In silico analysis suggests that this missense variant does not alter protein structure/function; Has not been previously published as pathogenic or benign to our knowledge